The following is an entry in ClinVar:

NM_003632.3(CNTNAP1):c.511+9_511+10delinsAA

Gene: CNTNAP1 (contactin associated protein 1; plus strand). Cytogenetic location: 17q21.2.
Variant type: Indel.
Coding change: c.511+9_511+10delinsAA on transcript NM_003632.3 (MANE Select); bases 9 to 10 of the intron after coding-DNA position 511, GC replaced by AA.
Molecular consequence: intron variant.
Genome position (GRCh38, 1-based): chr17:42,685,147-42,685,148, GC replaced by AA. VCF-style: chr17-42685147-GC-AA. GRCh37 (hg19) VCF-style: chr17-40837165-GC-AA.
Identifiers: ClinVar variation 1986030 (VCV001986030.4), dbSNP rs2543788267, ClinGen allele CA2580093760.
Genomic context (GRCh38, chr17:42,685,147, plus strand): 5'-AACCCACGCGGCAAGATCGGCCTGAGGCTCGGCCTCTATGGCTGCCCATACAGTAAGTGT[GC>AA]AGAGAGCGCGGAGGGGGCCTGGGAGACAGCCTCCCCAGTTCCCGGCCCACCTACGGTCCT-3'

ClinVar aggregate classification (germline): Uncertain significance (1 of 4 stars; one submission).

Submission:

Labcorp Genetics (formerly Invitae), Labcorp
Classification: Uncertain significance. Last evaluated: 2022-03-26. Review status: criteria provided, single submitter. Criteria: Invitae Variant Classification Sherloc (09022015). Collection method: clinical testing. Allele origin: germline.
Comment: This sequence change falls in intron 4 of the CNTNAP1 gene. It does not directly change the encoded amino acid sequence of the CNTNAP1 protein. In summary, the available evidence is currently insufficient to determine the role of this variant in disease. Therefore, it has been classified as a Variant of Uncertain Significance. Experimental studies and prediction algorithms are not available or were not evaluated, and the effect of this variant on mRNA splicing is currently unknown. This variant has not been reported in the literature in individuals affected with CNTNAP1-related conditions. Information on the frequency of this variant in the gnomAD database is not available, as this variant may be reported differently in the database.